The following is an entry in ClinVar:

ClinVar aggregate classification (germline): Benign. Review status: criteria provided, multiple submitters, no conflicts (2 of 4 stars). 2 submissions from 2 submitters: Benign (2). Last evaluated 2015-04-10.

Allele frequency attached by ClinVar (database versions not stated): gnomAD exomes 0.02996 and 0.02531; 1000 Genomes Project 0.01178; gnomAD 0.02301 and 0.02368; TOPMed 0.01722; ESP Exome Variant Server 0.01993; 1000 Genomes Project 30x 0.01093; ExAC 0.04916.
gnomAD v4.1: 46,481 of 1,594,276 alleles (2.9%); highest among the groups gnomAD compares: Non-Finnish European, 3.2%; 870 homozygotes.

Submissions (2):

Laboratory for Molecular Medicine, Mass General Brigham Personalized Medicine
Classification: Benign. Last evaluated: 2015-04-10. Review status: criteria provided, single submitter. Criteria: LMM Criteria. Collection method: clinical testing. Allele origin: germline. Observed: 5 variant alleles.
Comment: p.Gln5492Gln in exon 42 of MUC5B: This variant is not expected to have clinical significance because it has been identified in 7.3% (1647/22468) of European chr omosomes by the Exome Aggregation Consortium (ExAC, rg; dbSNP rs55784821).

Breakthrough Genomics
Classification: Benign. Review status: criteria provided, single submitter. Criteria: ACMG Guidelines, 2015. Collection method: not provided. Allele origin: germline. Inheritance: Autosomal dominant inheritance. Affected: yes.

NM_002458.3(MUC5B):c.16476G>A (p.Gln5492=)

Gene: MUC5B (mucin 5B, oligomeric mucus/gel-forming; plus strand). Cytogenetic location: 11p15.5.
Variant type: single nucleotide variant.
Coding change: c.16476G>A on transcript NM_002458.3 (MANE Select); coding-DNA position 16476, G replaced by A.
Protein change: p.Gln5492=; no amino-acid change (glutamine 5492 retained).
Molecular consequence: synonymous variant.
Genome position (GRCh38, 1-based): chr11:1,258,124, G>A. VCF-style: chr11-1258124-G-A. GRCh37 (hg19) VCF-style: chr11-1279354-G-A.
Identifiers: ClinVar variation 226735 (VCV000226735.5), dbSNP rs55784821, ClinGen allele CA5809422.